The following is an entry in ClinVar:

ClinVar aggregate classification (germline): Conflicting classifications of pathogenicity. Review status: criteria provided, conflicting classifications (1 of 4 stars). 4 submissions from 4 submitters: Uncertain significance (3); Likely benign (1). Last evaluated 2025-04-07.

Conditions:
Hereditary nonpolyposis colorectal neoplasms. Identifiers: MedGen C0009405, MeSH D003123.
Hereditary cancer-predisposing syndrome. Also called: Hereditary neoplastic syndrome; Neoplastic Syndromes, Hereditary; Tumor predisposition; Hereditary Cancer Syndrome. Identifiers: Orphanet 140162, MedGen C0027672, MeSH D009386, MONDO:0015356.

Allele frequency attached by ClinVar (database versions not stated): gnomAD exomes below 0.00001.

Submissions (4):

Labcorp Genetics (formerly Invitae), Labcorp
Classification: Uncertain significance for Hereditary nonpolyposis colorectal neoplasms. Last evaluated: 2025-04-07. Review status: criteria provided, single submitter. Criteria: Invitae Variant Classification Sherloc (09022015). Collection method: clinical testing. Allele origin: germline.
Comment: This sequence change replaces glutamic acid, which is acidic and polar, with glutamine, which is neutral and polar, at codon 556 of the PMS2 protein (p.Glu556Gln). This variant is present in population databases (rs786202656, gnomAD 0.006%). This variant has not been reported in the literature in individuals affected with PMS2-related conditions. ClinVar contains an entry for this variant (Variation ID: 186049). Invitae Evidence Modeling incorporating data from in vitro experimental studies (internal data) indicates that this missense variant is not expected to disrupt PMS2 function with a negative predictive value of 95%. In summary, the available evidence is currently insufficient to determine the role of this variant in disease. Therefore, it has been classified as a Variant of Uncertain Significance.

GeneDx
Classification: Uncertain significance. Last evaluated: 2023-12-20. Review status: criteria provided, single submitter. Criteria: GeneDx Variant Classification Process June 2021. Collection method: clinical testing. Allele origin: germline. Affected: yes.
Comment: Not observed at significant frequency in large population cohorts (gnomAD); In silico analysis supports that this missense variant does not alter protein structure/function; Has not been previously published as pathogenic or benign to our knowledge

Ambry Genetics
Classification: Likely benign for Hereditary cancer-predisposing syndrome. Last evaluated: 2023-12-14. Review status: criteria provided, single submitter. Criteria: Ambry Variant Classification Scheme 2023. Collection method: clinical testing. Allele origin: germline.

Color Diagnostics, LLC DBA Color Health
Classification: Uncertain significance for Hereditary cancer-predisposing syndrome. Last evaluated: 2023-12-04. Review status: criteria provided, single submitter. Criteria: ACMG Guidelines, 2015. Collection method: clinical testing. Allele origin: germline.
Comment: This missense variant replaces glutamic acid with glutamine at codon 556 of the PMS2 protein. Computational prediction suggests that this variant may not impact protein structure and function (internally defined REVEL score threshold <= 0.5, PMID: 27666373). To our knowledge, functional studies have not been reported for this variant. This variant has not been reported in individuals affected with PMS2-related disorders in the literature. This variant has been identified in 1/251264 chromosomes in the general population by the Genome Aggregation Database (gnomAD). The available evidence is insufficient to determine the role of this variant in disease conclusively. Therefore, this variant is classified as a Variant of Uncertain Significance.

NM_000535.7(PMS2):c.1666G>C (p.Glu556Gln)

Gene: PMS2 (PMS1 homolog 2, mismatch repair system component; minus strand). Cytogenetic location: 7p22.1.
Variant type: single nucleotide variant.
Coding change: c.1666G>C on transcript NM_000535.7 (MANE Select); coding-DNA position 1666, G replaced by C.
Protein change: p.Glu556Gln; replaces glutamic acid 556 with glutamine.
Molecular consequence: missense variant. On other transcripts: non-coding transcript variant (1).
Genome position (GRCh38, 1-based): chr7:5,987,099, C>G on the plus strand (G>C on the coding strand, the complement: PMS2 is on the minus strand). VCF-style: chr7-5987099-C-G. GRCh37 (hg19) VCF-style: chr7-6026730-C-G.
Other names: c.1261G>C, p.Glu421Gln (NM_001322003.2, NM_001322004.2, NM_001322005.2 and 1 more transcripts); c.1510G>C, p.Glu504Gln (NM_001322006.2); c.1348G>C, p.Glu450Gln (NM_001322007.2, NM_001322008.2); c.1105G>C, p.Glu369Gln (NM_001322010.2); c.733G>C, p.Glu245Gln (NM_001322011.2, NM_001322012.2); c.1093G>C, p.Glu365Gln (NM_001322013.2); c.1666G>C, p.Glu556Gln (NM_001322014.2); c.1357G>C, p.Glu453Gln (NM_001322015.2); short protein forms E556Q, E365Q, E245Q, E369Q, E453Q, E504Q, E421Q, E450Q.
Identifiers: ClinVar variation 186049 (VCV000186049.17), dbSNP rs786202656, ClinGen allele CA010010.